The following is an entry in ClinVar:

ClinVar aggregate classification (germline): Likely benign. Review status: criteria provided, single submitter (1 of 4 stars). 2 submissions from 2 submitters: Likely benign (1). 1 of the submissions does not count toward it. Last evaluated 2025-06-19.

Conditions:
ARSI-related disorder. Also called: ARSI-related condition.
Spastic paraplegia. Identifiers: MedGen C0037772, HP:0001258.

Allele frequency attached by ClinVar (database versions not stated): gnomAD 0.00029; TOPMed 0.00037; gnomAD exomes 0.00006; ESP Exome Variant Server 0.00054; ExAC 0.00010.

Submissions (2):

Labcorp Genetics (formerly Invitae), Labcorp
Classification: Likely benign for Spastic paraplegia. Last evaluated: 2025-06-19. Review status: criteria provided, single submitter. Criteria: Invitae Variant Classification Sherloc (09022015). Collection method: clinical testing. Allele origin: germline.

PreventionGenetics, part of Exact Sciences
Classification: Likely benign for ARSI-related condition. Last evaluated: 2019-06-14. Review status: no assertion criteria provided. Collection method: clinical testing. Allele origin: germline. Not counted in ClinVar's aggregate classification.
Comment: This variant is classified as likely benign based on ACMG/AMP sequence variant interpretation guidelines (Richards et al. 2015 PMID: 25741868, with internal and published modifications).

NM_001012301.4(ARSI):c.573C>T (p.Phe191=)

Gene: ARSI (arylsulfatase family member I; minus strand). Cytogenetic location: 5q32.
Variant type: single nucleotide variant.
Coding change: c.573C>T on transcript NM_001012301.4 (MANE Select); coding-DNA position 573, C replaced by T.
Protein change: p.Phe191=; no amino-acid change (phenylalanine 191 retained).
Molecular consequence: synonymous variant.
Genome position (GRCh38, 1-based): chr5:150,298,351, G>A on the plus strand (C>T on the coding strand, the complement: ARSI is on the minus strand). VCF-style: chr5-150298351-G-A. GRCh37 (hg19) VCF-style: chr5-149677914-G-A.
Other names: c.573C>T (NM_001012301.3).
Identifiers: ClinVar variation 3013263 (VCV003013263.5), dbSNP rs150264448, ClinGen allele CA3510303.